The following is an entry in ClinVar:

ClinVar aggregate classification (germline): Uncertain significance (1 of 4 stars; one submission).

Conditions:
Periodic fever-infantile enterocolitis-autoinflammatory syndrome. Also called: Autoinflammation with infantile enterocolitis. Identifiers: Orphanet 436166, MedGen C4015067, MONDO:0014472, OMIM 616050.
Familial cold autoinflammatory syndrome 4 (FCAS4). Identifiers: Orphanet 47045, Orphanet 576349, MedGen C4015276, MONDO:0014498, OMIM 616115.

Submission:

Labcorp Genetics (formerly Invitae), Labcorp
Classification: Uncertain significance for Periodic fever-infantile enterocolitis-autoinflammatory syndrome; Familial cold autoinflammatory syndrome 4. Last evaluated: 2023-06-16. Review status: criteria provided, single submitter. Criteria: Invitae Variant Classification Sherloc (09022015). Collection method: clinical testing. Allele origin: germline.
Comment: Advanced modeling of protein sequence and biophysical properties (such as structural, functional, and spatial information, amino acid conservation, physicochemical variation, residue mobility, and thermodynamic stability) has been performed at Invitae for this missense variant, however the output from this modeling did not meet the statistical confidence thresholds required to predict the impact of this variant on NLRC4 protein function. This variant has not been reported in the literature in individuals affected with NLRC4-related conditions. This variant is not present in population databases (gnomAD no frequency). This sequence change replaces threonine, which is neutral and polar, with asparagine, which is neutral and polar, at codon 642 of the NLRC4 protein (p.Thr642Asn). In summary, the available evidence is currently insufficient to determine the role of this variant in disease. Therefore, it has been classified as a Variant of Uncertain Significance.

NM_001199138.2(NLRC4):c.1925C>A (p.Thr642Asn)

Gene: NLRC4 (NLR family CARD domain containing 4; minus strand). Cytogenetic location: 2p22.3.
Variant type: single nucleotide variant.
Coding change: c.1925C>A on transcript NM_001199138.2 (MANE Select); coding-DNA position 1925, C replaced by A.
Protein change: p.Thr642Asn; replaces threonine 642 with asparagine.
Molecular consequence: missense variant. On other transcripts: intron variant (1).
Genome position (GRCh38, 1-based): chr2:32,249,939, G>T on the plus strand (C>A on the coding strand, the complement: NLRC4 is on the minus strand). VCF-style: chr2-32249939-G-T. GRCh37 (hg19) VCF-style: chr2-32475008-G-T.
Other names: c.1925C>A, p.Thr642Asn (NM_001199139.2, NM_021209.5); c.262+2480C>A (NM_001302504.1); short protein forms T642N.
Identifiers: ClinVar variation 2948956 (VCV002948956.3), dbSNP rs2466757289, ClinGen allele CA346511395.
Genomic context (GRCh38, chr2:32,249,939, plus strand): 5'-AGAGTCCTGAATTCCTGCTTCCAGTTGAAGAACAAAGATACAGCCCTGCTGGGAATGTAG[G>T]TTTCTGGGGCCTCTTCCATGTGGATTCCACCTGTGTCTTCTGCAGCCTTTTCCCATGAAG-3'
Protein context (NP_001186067.1, residues 632-652): GGIHMEEAPE[Thr642Asn]YIPSRAVSLF